The following is an entry in ClinVar:

NM_001267550.2(TTN):c.30274C>T (p.His10092Tyr)

Gene: TTN (titin; minus strand). Cytogenetic location: 2q31.2.
Variant type: single nucleotide variant.
Coding change: c.30274C>T on transcript NM_001267550.2 (MANE Select); coding-DNA position 30274, C replaced by T.
Protein change: p.His10092Tyr; replaces histidine 10092 with tyrosine.
Molecular consequence: missense variant. On other transcripts: intron variant (3).
Genome position (GRCh38, 1-based): chr2:178,702,613, G>A on the plus strand (C>T on the coding strand, the complement: TTN is on the minus strand). VCF-style: chr2-178702613-G-A. GRCh37 (hg19) VCF-style: chr2-179567340-G-A.
Other names: p.H8848Y:CAT>TAT; c.29323C>T, p.His9775Tyr (NM_001256850.1); c.26542C>T, p.His8848Tyr (NM_133378.4); c.13282+35469C>T (NM_003319.4); c.13858+35469C>T (NM_133437.4); c.13657+35469C>T (NM_133432.3); c.30274C>T (NM_001267550.1); short protein forms H10092Y, H8848Y, H9775Y.
Identifiers: ClinVar variation 46832 (VCV000046832.124), dbSNP rs72650011, ClinGen allele CA139304.

ClinVar aggregate classification (germline): Conflicting classifications of pathogenicity. Review status: criteria provided, conflicting classifications (1 of 4 stars). 23 submissions from 23 submitters: Uncertain significance (1); Benign (8); Likely benign (7). 7 of the submissions do not count toward it. Last evaluated 2026-09-01.

Conditions:
TTN-related disorder. Also called: TTN-related disorders; TTN-related condition; TTN-related disease.
Autosomal recessive limb-girdle muscular dystrophy type 2J (LGMDR10). Also called: MUSCULAR DYSTROPHY, LIMB-GIRDLE, AUTOSOMAL RECESSIVE 10; Limb-girdle muscular dystrophy, type 2J. Identifiers: Orphanet 140922, MedGen C1837342, MONDO:0012127, OMIM 608807.
Dilated cardiomyopathy 1G (CMD1G). Identifiers: Orphanet 154, MedGen C1858763, MONDO:0011400, OMIM 604145.
Cardiomyopathy (CMYO). Also called: Cardiomyopathies. Identifiers: Orphanet 167848, MedGen C0878544, MONDO:0004994, HP:0001638. Inheritance: Various modes of inheritance.

Allele frequency attached by ClinVar (database versions not stated): 1000 Genomes Project 0.00120; gnomAD exomes 0.00382 and 0.00349; ExAC 0.00414; ESP Exome Variant Server 0.00299; gnomAD 0.00378 and 0.00367; 1000 Genomes Project 30x 0.00156; TOPMed 0.00226.
gnomAD v4.1: 5,625 of 1,613,946 alleles (0.35%); highest among the groups gnomAD compares: Non-Finnish European, 0.38%; 17 homozygotes.

Submissions (23):

CeGaT Center for Human Genetics Tuebingen
Classification: Likely benign. Last evaluated: 2026-09-01. Review status: criteria provided, single submitter. Criteria: CeGaT Center For Human Genetics Tuebingen Variant Classification Criteria Version 2. Collection method: clinical testing. Allele origin: germline. Affected: yes. Observed: 25 variant alleles.
Comment: TTN: BS1

Labcorp Genetics (formerly Invitae), Labcorp
Classification: Benign for Dilated cardiomyopathy 1G; Autosomal recessive limb-girdle muscular dystrophy type 2J. Last evaluated: 2026-02-03. Review status: criteria provided, single submitter. Criteria: Invitae Variant Classification Sherloc (09022015). Collection method: clinical testing. Allele origin: germline.

Mayo Clinic Laboratories, Mayo Clinic
Classification: Benign. Last evaluated: 2025-10-06. Review status: criteria provided, single submitter. Criteria: ACMG Guidelines, 2015. Collection method: clinical testing. Allele origin: germline. Observed: 20 variant alleles.

ARUP Laboratories, Molecular Genetics and Genomics, ARUP Laboratories
Classification: Benign. Last evaluated: 2025-06-05. Review status: criteria provided, single submitter. Criteria: ARUP Molecular Germline Variant Investigation Process 2024. Collection method: clinical testing. Allele origin: germline.

Molecular Diagnostic Laboratory for Inherited Cardiovascular Disease, Montreal Heart Institute
Classification: Likely benign. Last evaluated: 2025-04-09. Review status: criteria provided, single submitter. Criteria: ACMG Guidelines, 2015. Collection method: clinical testing. Allele origin: germline. Affected: no.

Blueprint Genetics
Classification: Likely benign. Last evaluated: 2024-11-22. Review status: criteria provided, single submitter. Criteria: ACMG Guidelines, 2015. Collection method: clinical testing. Allele origin: germline.

Women's Health and Genetics/Laboratory Corporation of America, LabCorp
Classification: Likely benign. Last evaluated: 2022-07-30. Review status: criteria provided, single submitter. Criteria: LabCorp Variant Classification Summary - May 2015. Collection method: clinical testing. Allele origin: germline.

Athena Diagnostics
Classification: Benign. Last evaluated: 2021-02-08. Review status: criteria provided, single submitter. Criteria: Athena Diagnostics criteria. Collection method: clinical testing. Allele origin: unknown.

CHEO Genetics Diagnostic Laboratory, Children's Hospital of Eastern Ontario
Classification: Benign for Cardiomyopathy. Last evaluated: 2019-06-26. Review status: criteria provided, single submitter. Criteria: ACMG Guidelines, 2015. Collection method: clinical testing. Allele origin: germline. Study: Canadian Open Genetics Repository.

Mendelics
Classification: Benign for Dilated cardiomyopathy 1G. Last evaluated: 2019-05-28. Review status: criteria provided, single submitter. Criteria: Mendelics Assertion Criteria 2017. Collection method: clinical testing. Allele origin: unknown.

Illumina Laboratory Services, Illumina
Classification: Likely benign for Dilated cardiomyopathy 1G. Last evaluated: 2017-04-27. Review status: criteria provided, single submitter. Criteria: ICSL Variant Classification Criteria 13 December 2019. Collection method: clinical testing. Allele origin: germline.
Comment: This variant was observed as part of a predisposition screen in an ostensibly healthy population. A literature search was performed for the gene, cDNA change, and amino acid change (where applicable). Publications were found based on this search. The evidence from the literature, in combination with allele frequency data from public databases where available, was sufficient to determine this variant is unlikely to cause disease. Therefore, this variant is classified as likely benign.

GeneDx
Classification: Benign. Last evaluated: 2016-08-23. Review status: criteria provided, single submitter. Criteria: GeneDx Variant Classification (06012015). Collection method: clinical testing. Allele origin: germline. Affected: yes.
Comment: This variant is considered likely benign or benign based on one or more of the following criteria: it is a conservative change, it occurs at a poorly conserved position in the protein, it is predicted to be benign by multiple in silico algorithms, and/or has population frequency not consistent with disease.

Eurofins Ntd Llc (ga)
Classification: Likely benign. Last evaluated: 2015-07-02. Review status: criteria provided, single submitter. Criteria: EGL Classification Definitions 2015. Collection method: clinical testing. Allele origin: germline. Observed: 1 variant allele, 1 heterozygote.

Laboratory for Molecular Medicine, Mass General Brigham Personalized Medicine
Classification: Benign. Last evaluated: 2015-02-10. Review status: criteria provided, single submitter. Criteria: LMM Criteria. Collection method: clinical testing. Allele origin: germline. Observed: 9 variant alleles.
Comment: p.His8848Tyr in exon 104 of TTN: This variant is not expected to have clinical s ignificance because it has been identified in 1.1% (76/6614) of Finnish chromoso mes by the Exome Aggregation Consortium (ExAC; d bSNP rs72650011).

Genetic Services Laboratory, University of Chicago
Classification: Uncertain significance. Last evaluated: 2014-06-03. Review status: criteria provided, single submitter. Criteria: ACMG Guidelines, 2015. Collection method: clinical testing. Allele origin: germline.

Biesecker Lab/Clinical Genomics Section, National Institutes of Health
Classification: Likely benign. Last evaluated: 2013-06-24. Review status: criteria provided, single submitter. Criteria: Ng et al. (Circ Cardiovasc Genet. 2013). Collection method: research. Allele origin: unknown. Observed: 7 variant alleles. Study: ClinSeq.
Comment: The study set was not selected for affection status in relation to any cancer. Pathogenicity categories were based on literature curation. See Pubmed ID:23861362 for details.

Medical sequencing

PreventionGenetics, part of Exact Sciences
Classification: Likely benign for TTN-related condition. Last evaluated: 2020-03-13. Review status: no assertion criteria provided. Collection method: clinical testing. Allele origin: germline. Not counted in ClinVar's aggregate classification.
Comment: This variant is classified as likely benign based on ACMG/AMP sequence variant interpretation guidelines (Richards et al. 2015 PMID: 25741868, with internal and published modifications).

Clinical Genetics DNA and cytogenetics Diagnostics Lab, Erasmus MC, Erasmus Medical Center
Classification: Likely benign. Review status: no assertion criteria provided. Collection method: clinical testing. Allele origin: germline. Affected: yes. Study: VKGL Data-share Consensus. Not counted in ClinVar's aggregate classification.

Clinical Genetics, Academic Medical Center
Classification: Benign. Review status: no assertion criteria provided. Collection method: clinical testing. Allele origin: germline. Affected: yes. Study: VKGL Data-share Consensus. Not counted in ClinVar's aggregate classification.

Diagnostic Laboratory, Department of Genetics, University Medical Center Groningen
Classification: Likely benign. Review status: no assertion criteria provided. Collection method: clinical testing. Allele origin: germline. Affected: yes. Study: VKGL Data-share Consensus. Not counted in ClinVar's aggregate classification.

Genome Diagnostics Laboratory, University Medical Center Utrecht
Classification: Likely benign. Review status: no assertion criteria provided. Collection method: clinical testing. Allele origin: germline. Affected: yes. Study: VKGL Data-share Consensus. Not counted in ClinVar's aggregate classification.

Joint Genome Diagnostic Labs from Nijmegen and Maastricht, Radboudumc and MUMC+
Classification: Benign. Review status: no assertion criteria provided. Collection method: clinical testing. Allele origin: germline. Affected: yes. Study: VKGL Data-share Consensus. Not counted in ClinVar's aggregate classification.

Laboratory of Diagnostic Genome Analysis, Leiden University Medical Center (LUMC)
Classification: Likely benign. Review status: no assertion criteria provided. Collection method: clinical testing. Allele origin: germline. Affected: yes. Study: VKGL Data-share Consensus. Not counted in ClinVar's aggregate classification.

Literature cited by the submitters: PubMed 21810661 (cited by 3 submitters); PubMed 23299917 (cited by Athena Diagnostics and Illumina Laboratory Services, Illumina); PubMed 24055113 (cited by Athena Diagnostics); PubMed 26773040 (cited by Athena Diagnostics); PubMed 27194543 (cited by Athena Diagnostics); PubMed 31402444 (cited by Athena Diagnostics); PubMed 31539150 (cited by Athena Diagnostics); PubMed 27930701 (cited by Athena Diagnostics).